The following is an entry in ClinVar:

ClinVar aggregate classification (germline): Uncertain significance (1 of 4 stars; one submission).

Conditions:
Intellectual disability, autosomal recessive 53 (NEDHSCA). Also called: GLYCOSYLPHOSPHATIDYLINOSITOL BIOSYNTHESIS DEFECT 13; Mental retardation, autosomal recessive 53; NEURODEVELOPMENTAL DISORDER WITH OR WITHOUT HYPOTONIA, SEIZURES, AND CEREBELLAR ATROPHY. Identifiers: Orphanet 488635, MedGen C4310794, MONDO:0014832, OMIM 616917.

Submission:

Labcorp Genetics (formerly Invitae), Labcorp
Classification: Uncertain significance for Intellectual disability, autosomal recessive 53. Last evaluated: 2019-12-30. Review status: criteria provided, single submitter. Criteria: Invitae Variant Classification Sherloc (09022015). Collection method: clinical testing. Allele origin: germline.
Comment: This sequence change results in a premature translational stop signal in the PIGG gene (p.Ser908*). While this is not anticipated to result in nonsense mediated decay, it is expected to disrupt the last 76 amino acids of the PIGG protein. This variant is not present in population databases (ExAC no frequency). This variant has not been reported in the literature in individuals with PIGG-related conditions. Experimental studies and prediction algorithms are not available or were not evaluated, and the functional significance of this variant is currently unknown. In summary, the available evidence is currently insufficient to determine the role of this variant in disease. Therefore, it has been classified as a Variant of Uncertain Significance.

NM_001127178.3(PIGG):c.2723C>G (p.Ser908Ter)

Gene: PIGG (phosphatidylinositol glycan anchor biosynthesis class G (EMM blood group); plus strand). Cytogenetic location: 4p16.3.
Variant type: single nucleotide variant.
Coding change: c.2723C>G on transcript NM_001127178.3 (MANE Select); coding-DNA position 2723, C replaced by G.
Protein change: p.Ser908Ter; replaces serine 908 with a stop codon.
Molecular consequence: nonsense. On other transcripts: non-coding transcript variant (10).
Genome position (GRCh38, 1-based): chr4:533,969, C>G. VCF-style: chr4-533969-C-G. GRCh37 (hg19) VCF-style: chr4-527758-C-G.
Other names: c.2456C>G, p.Ser819Ter (NM_001289051.2, NM_001345986.2); c.2324C>G, p.Ser775Ter (NM_001289052.2); c.2432C>G, p.Ser811Ter (NM_001345987.2); c.1694C>G, p.Ser565Ter (NM_001345988.2); c.1190C>G, p.Ser397Ter (NM_001345990.2, NM_001345991.2); c.1625C>G, p.Ser542Ter (NM_001345994.2); c.2699C>G, p.Ser900Ter (NM_017733.5); short protein forms S565*, S775*, S811*, S908*, S397*, S819*, S542*, S900*.
Identifiers: ClinVar variation 851693 (VCV000851693.3), dbSNP rs1729731097, ClinGen allele CA355911569.